The following is an entry in ClinVar:

NM_001018115.3(FANCD2):c.787C>T (p.Arg263Cys)

Genes: FANCD2 (FA complementation group D2; plus strand), LOC107303338 (3p25 FANCD2 Alu-mediated recombination region; plus strand). Cytogenetic location: 3p25.3.
Variant type: single nucleotide variant.
Coding change: c.787C>T on transcript NM_001018115.3 (MANE Select); coding-DNA position 787, C replaced by T.
Protein change: p.Arg263Cys; replaces arginine 263 with cysteine.
Molecular consequence: missense variant.
Genome position (GRCh38, 1-based): chr3:10,042,562, C>T. VCF-style: chr3-10042562-C-T. GRCh37 (hg19) VCF-style: chr3-10084246-C-T.
Other names: c.787C>T, p.Arg263Cys (NM_001319984.2, NM_001374253.1, NM_001374254.1 and 1 more transcripts); c.787C>T (NM_033084.4); short protein forms R263C.
Identifiers: ClinVar variation 2041815 (VCV002041815.4), dbSNP rs200471133, ClinGen allele CA2249368.

ClinVar aggregate classification (germline): Uncertain significance. Review status: criteria provided, multiple submitters, no conflicts (2 of 4 stars). 3 submissions from 3 submitters: Uncertain significance (3). Last evaluated 2024-06-04.

Conditions:
Fanconi anemia (FA). Also called: Fanconi's anemia. Identifiers: Orphanet 84, MedGen C0015625, MeSH D005199, MONDO:0019391.
Fanconi anemia complementation group D2. Also called: FANCD2-Related Fanconi Anemia; FANCONI PANCYTOPENIA, TYPE 4; FANCONI ANEMIA, COMPLEMENTATION GROUP D. Identifiers: Orphanet 84, MedGen C3160738, MONDO:0009214, OMIM 227646.

Allele frequency attached by ClinVar (database versions not stated): ExAC 0.00001; gnomAD exomes 0.00002; gnomAD 0.00003; TOPMed 0.00004.

Submissions (3):

Fulgent Genetics
Classification: Uncertain significance for Fanconi anemia complementation group D2. Last evaluated: 2024-06-04. Review status: criteria provided, single submitter. Criteria: ACMG Guidelines, 2015. Collection method: clinical testing. Allele origin: germline.

Blueprint Genetics
Classification: Uncertain significance. Last evaluated: 2024-05-20. Review status: criteria provided, single submitter. Criteria: ACMG Guidelines, 2015. Collection method: clinical testing. Allele origin: germline.

Labcorp Genetics (formerly Invitae), Labcorp
Classification: Uncertain significance for Fanconi anemia. Last evaluated: 2024-04-05. Review status: criteria provided, single submitter. Criteria: Invitae Variant Classification Sherloc (09022015). Collection method: clinical testing. Allele origin: germline.
Comment: This sequence change replaces arginine, which is basic and polar, with cysteine, which is neutral and slightly polar, at codon 263 of the FANCD2 protein (p.Arg263Cys). This variant is present in population databases (rs200471133, gnomAD 0.003%). This variant has not been reported in the literature in individuals affected with FANCD2-related conditions. ClinVar contains an entry for this variant (Variation ID: 2041815). Advanced modeling of protein sequence and biophysical properties (such as structural, functional, and spatial information, amino acid conservation, physicochemical variation, residue mobility, and thermodynamic stability) performed at Invitae indicates that this missense variant is expected to disrupt FANCD2 protein function with a positive predictive value of 80%. In summary, the available evidence is currently insufficient to determine the role of this variant in disease. Therefore, it has been classified as a Variant of Uncertain Significance.